The following is an entry in ClinVar:

NM_007078.3(LDB3):c.629T>C (p.Met210Thr)

Gene: LDB3 (LIM domain binding 3; plus strand). Cytogenetic location: 10q23.2.
Variant type: single nucleotide variant.
Coding change: c.629T>C on transcript NM_007078.3 (MANE Select); coding-DNA position 629, T replaced by C.
Protein change: p.Met210Thr; replaces methionine 210 with threonine.
Molecular consequence: missense variant. On other transcripts: intron variant (5).
Genome position (GRCh38, 1-based): chr10:86,681,743, T>C. VCF-style: chr10-86681743-T-C. GRCh37 (hg19) VCF-style: chr10-88441500-T-C.
Other names: c.629T>C, p.Met210Thr (NM_001080115.2, NM_001171610.2, NM_001171611.2 and 3 more transcripts); c.321+1586T>C (NM_001368068.1, NM_001368066.1, NM_001080114.2 and 2 more transcripts); short protein forms M210T.
Identifiers: ClinVar variation 2625896 (VCV002625896.2), dbSNP rs2492594244, ClinGen allele CA377455307.
Genomic context (GRCh38, chr10:86,681,743, plus strand): 5'-GCCAGCCGAGGCAATATAACAACCCCATTGGCCTGTACTCGGCAGAGACCCTGAGGGAGA[T>C]GGCTCAGATGTACCAGATGAGCCTCCGAGGGAAGGCCTCGGGTGTCGGACTCCCAGGAGG-3'
Protein context (NP_009009.1, residues 200-220): GLYSAETLRE[Met210Thr]AQMYQMSLRG

ClinVar aggregate classification (germline): Uncertain significance (1 of 4 stars; one submission).

Conditions:
Cardiovascular phenotype. Identifiers: MedGen CN230736.

Submission:

Ambry Genetics
Classification: Uncertain significance for Cardiovascular phenotype. Last evaluated: 2023-07-23. Review status: criteria provided, single submitter. Criteria: Ambry Variant Classification Scheme 2023. Collection method: clinical testing. Allele origin: germline.
Comment: The p.M210T variant (also known as c.629T>C), located in coding exon 4 of the LDB3 gene, results from a T to C substitution at nucleotide position 629. The methionine at codon 210 is replaced by threonine, an amino acid with similar properties. This amino acid position is conserved. In addition, this alteration is predicted to be deleterious by in silico analysis. Since supporting evidence is limited at this time, the clinical significance of this alteration remains unclear.